The following is an entry in ClinVar:

NM_021625.5(TRPV4):c.2308G>A (p.Gly770Ser)

Gene: TRPV4 (transient receptor potential cation channel subfamily V member 4; minus strand). Cytogenetic location: 12q24.11.
Variant type: single nucleotide variant.
Coding change: c.2308G>A on transcript NM_021625.5 (MANE Select); coding-DNA position 2308, G replaced by A.
Protein change: p.Gly770Ser; replaces glycine 770 with serine.
Molecular consequence: missense variant.
Genome position (GRCh38, 1-based): chr12:109,786,738, C>T on the plus strand (G>A on the coding strand, the complement: TRPV4 is on the minus strand). VCF-style: chr12-109786738-C-T. GRCh37 (hg19) VCF-style: chr12-110224543-C-T.
Other names: c.2167G>A, p.Gly723Ser (NM_001177428.2); c.2206G>A, p.Gly736Ser (NM_001177431.2); c.1987G>A, p.Gly663Ser (NM_001177433.2); c.2128G>A, p.Gly710Ser (NM_147204.3); short protein forms G710S, G770S, G723S, G736S, G663S.
Identifiers: ClinVar variation 2151815 (VCV002151815.4), dbSNP rs1179327696, ClinGen allele CA386649270.
Genomic context (GRCh38, chr12:109,786,738, plus strand): 5'-CTGCCATCCTGGCCCCACTGCCCCAGCCTCACCTGAAGCACCACCTGCGGTCAGGAGTGC[C>T]GTCCGAGCTCTTGCCCACGGTGACCATCTCCCCAGAGCGGAAGGCCTTCCTCAGGAATAC-3'
Protein context (NP_067638.3, residues 760-780): EMVTVGKSSD[Gly770Ser]TPDRRWCFRV

ClinVar aggregate classification (germline): Uncertain significance (1 of 4 stars; one submission).

Conditions:
Charcot-Marie-Tooth disease axonal type 2C (HMSN2C). Also called: CHARCOT-MARIE-TOOTH DISEASE, AXONAL, AUTOSOMAL DOMINANT, TYPE 2C; Charcot-Marie-Tooth Neuropathy Type 2C; Charcot-Marie-Tooth Disease Type 2, TRPV4-Related (CMT2C). Identifiers: Orphanet 99937, MedGen C1853710, MONDO:0011633, OMIM 606071.

Allele frequency attached by ClinVar (database versions not stated): gnomAD exomes below 0.00001; TOPMed below 0.00001; gnomAD 0.00001.
gnomAD v4.1: 3 of 1,613,790 alleles (0.00019%); highest among the groups gnomAD compares: East Asian, 0.0022%; no homozygotes.

Submission:

Labcorp Genetics (formerly Invitae), Labcorp
Classification: Uncertain significance for Charcot-Marie-Tooth disease axonal type 2C. Last evaluated: 2023-06-30. Review status: criteria provided, single submitter. Criteria: Invitae Variant Classification Sherloc (09022015). Collection method: clinical testing. Allele origin: germline.
Comment: This variant is present in population databases (no rsID available, gnomAD 0.007%). In summary, the available evidence is currently insufficient to determine the role of this variant in disease. Therefore, it has been classified as a Variant of Uncertain Significance. Advanced modeling of protein sequence and biophysical properties (such as structural, functional, and spatial information, amino acid conservation, physicochemical variation, residue mobility, and thermodynamic stability) performed at Invitae indicates that this missense variant is not expected to disrupt TRPV4 protein function. ClinVar contains an entry for this variant (Variation ID: 2151815). This variant has not been reported in the literature in individuals affected with TRPV4-related conditions. This sequence change replaces glycine, which is neutral and non-polar, with serine, which is neutral and polar, at codon 770 of the TRPV4 protein (p.Gly770Ser).